The following is an entry in ClinVar:

NM_000539.3(RHO):c.889A>C (p.Ser297Arg)

Gene: RHO (rhodopsin; plus strand). Cytogenetic location: 3q22.1.
Variant type: single nucleotide variant.
Coding change: c.889A>C on transcript NM_000539.3 (MANE Select); coding-DNA position 889, A replaced by C.
Protein change: p.Ser297Arg; replaces serine 297 with arginine.
Molecular consequence: missense variant.
Genome position (GRCh38, 1-based): chr3:129,532,725, A>C. VCF-style: chr3-129532725-A-C. GRCh37 (hg19) VCF-style: chr3-129251568-A-C.
Other names: short protein forms S297R.
Identifiers: ClinVar variation 2060322 (VCV002060322.4), dbSNP rs2533028135, ClinGen allele CA354470804.

ClinVar aggregate classification (germline): Pathogenic (1 of 4 stars; one submission).

Submission:

Labcorp Genetics (formerly Invitae), Labcorp
Classification: Pathogenic. Last evaluated: 2022-04-29. Review status: criteria provided, single submitter. Criteria: Invitae Variant Classification Sherloc (09022015). Collection method: clinical testing. Allele origin: germline.
Comment: For these reasons, this variant has been classified as Pathogenic. Experimental studies have shown that this missense change affects RHO function (PMID: 9380676, 30977563). Algorithms developed to predict the effect of missense changes on protein structure and function are either unavailable or do not agree on the potential impact of this missense change (SIFT: "Deleterious"; PolyPhen-2: "Possibly Damaging"; Align-GVGD: "Class C15"). This missense change has been observed in individuals with autosomal dominant retinitis pigmentosa (PMID: 7987331, 10967073; Invitae). This variant is not present in population databases (gnomAD no frequency). This sequence change replaces serine, which is neutral and polar, with arginine, which is basic and polar, at codon 297 of the RHO protein (p.Ser297Arg).

Literature cited by the submitters: PubMed 9380676; PubMed 30977563; PubMed 7987331; PubMed 10967073.